The following is an entry in ClinVar:

ClinVar aggregate classification (germline): Uncertain significance (1 of 4 stars; one submission).

Conditions:
NRP2-related disorder. Also called: NRP2-related condition.

gnomAD v4.1: 49 of 1,613,982 alleles (0.003%); highest among the groups gnomAD compares: Non-Finnish European, 0.0039%; no homozygotes.

Submission:

PreventionGenetics, part of Exact Sciences
Classification: Uncertain significance for NRP2-related condition. Last evaluated: 2025-09-29. Review status: criteria provided, single submitter. Criteria: ACMG Guidelines, 2015. Collection method: clinical testing. Allele origin: germline.
Comment: The NRP2 c.2783G>C variant is predicted to result in the amino acid substitution p.Cys928Ser. To our knowledge, this variant has not been reported in the literature. This variant is reported in 0.0053% of alleles in individuals of European (non-Finnish) descent in gnomAD. At this time, the clinical significance of this variant is uncertain due to the absence of conclusive functional and genetic evidence.

NM_003872.3(NRP2):c.2768G>C (p.Cys923Ser)

Gene: NRP2 (neuropilin 2; plus strand). Cytogenetic location: 2q33.3.
Variant type: single nucleotide variant.
Coding change: c.2768G>C on transcript NM_003872.3 (MANE Select); coding-DNA position 2768, G replaced by C.
Protein change: p.Cys923Ser; replaces cysteine 923 with serine.
Molecular consequence: missense variant.
Genome position (GRCh38, 1-based): chr2:205,795,045, G>C. VCF-style: chr2-205795045-G-C. GRCh37 (hg19) VCF-style: chr2-206659769-G-C.
Other names: c.2783G>C, p.Cys928Ser (NM_201266.2); c.2717G>C, p.Cys906Ser (NM_201279.2); short protein forms C906S, C923S, C928S.
Identifiers: ClinVar variation 3029862 (VCV003029862.3), dbSNP rs768198234, ClinGen allele CA2069653.